The following is an entry in ClinVar:

NM_001349338.3(FOXP1):c.1009A>C (p.Ser337Arg)

Gene: FOXP1 (forkhead box P1; minus strand). Cytogenetic location: 3p13.
Variant type: single nucleotide variant.
Coding change: c.1009A>C on transcript NM_001349338.3 (MANE Select); coding-DNA position 1009, A replaced by C.
Protein change: p.Ser337Arg; replaces serine 337 with arginine.
Molecular consequence: missense variant.
Genome position (GRCh38, 1-based): chr3:71,001,025, T>G on the plus strand (A>C on the coding strand, the complement: FOXP1 is on the minus strand). VCF-style: chr3-71001025-T-G. GRCh37 (hg19) VCF-style: chr3-71050176-T-G.
Other names: c.1009A>C, p.Ser337Arg (NM_001244808.3, NM_001244810.2, NM_001244814.3 and 3 more transcripts); c.781A>C, p.Ser261Arg (NM_001244812.3); c.709A>C, p.Ser237Arg (NM_001244813.3, NM_001244815.2, NM_001349342.3 and 1 more transcripts); c.706A>C, p.Ser236Arg (NM_001349337.2, NM_001349343.3, NM_001349344.3); c.1006A>C, p.Ser336Arg (NM_001349341.3); short protein forms S236R, S237R, S261R, S336R, S337R.
Identifiers: ClinVar variation 4759465 (VCV004759465.1).

ClinVar aggregate classification (germline): Uncertain significance (1 of 4 stars; one submission).

Conditions:
Intellectual disability-severe speech delay-mild dysmorphism syndrome (IDDLA). Also called: Mental retardation with language impairment and autistic features; Intellectual developmental disorder with language impairment AND with or without autistic features; FOXP1 Syndrome. Identifiers: Orphanet 391372, MedGen C4013764, MONDO:0013352, OMIM 613670.

Submission:

Illumina Laboratory Services, Illumina
Classification: Uncertain significance for Intellectual disability-severe speech delay-mild dysmorphism syndrome. Last evaluated: 2023-09-29. Review status: criteria provided, single submitter. Criteria: ISL SNV Classification Criteria 03 February 2026. Collection method: clinical testing. Allele origin: unknown.
Comment: The FOXP1 c.1009A>C p.(Ser337Arg) missense variant has not, to our knowledge, been reported in the peer-reviewed literature. This variant is not observed in version 2.1.1 or version 3.1.2 of the Genome Aggregation Database. Based on the available evidence, the c.1009A>C p.(Ser337Arg) variant is classified as a variant of uncertain significance for FOXP1 syndrome.